The following is an entry in ClinVar:

ClinVar aggregate classification (germline): Uncertain significance. Review status: criteria provided, multiple submitters, no conflicts (2 of 4 stars). 2 submissions from 2 submitters: Uncertain significance (2). Last evaluated 2025-09-15.

Conditions:
Deficiency of 2-methylbutyryl-CoA dehydrogenase (ACADSB). Also called: 2-methylbutyryl-CoA dehydrogenase deficiency; SBCAD deficiency; 2-methylbutyric aciduria; Short branched-chain acyl-CoA dehydrogenase deficiency; 2-methylbutyrylglycinuria. Identifiers: Orphanet 79157, MedGen C1864912, MONDO:0012392, OMIM 610006, HP:0020147.

Allele frequency attached by ClinVar (database versions not stated): ExAC 0.00002; gnomAD exomes 0.00002; gnomAD 0.00003; TOPMed 0.00005.
gnomAD v4.1: 67 of 1,613,902 alleles (0.0042%); highest among the groups gnomAD compares: Non-Finnish European, 0.0049%; no homozygotes.

Submissions (2):

Labcorp Genetics (formerly Invitae), Labcorp
Classification: Uncertain significance for Deficiency of 2-methylbutyryl-CoA dehydrogenase. Last evaluated: 2025-09-15. Review status: criteria provided, single submitter. Criteria: Invitae Variant Classification Sherloc (09022015). Collection method: clinical testing. Allele origin: germline.
Comment: This sequence change replaces lysine, which is basic and polar, with isoleucine, which is neutral and non-polar, at codon 384 of the ACADSB protein (p.Lys384Ile). This variant is present in population databases (rs760585344, gnomAD 0.004%). This missense change has been observed in individual(s) with clinical features of ACADSB-related conditions (internal data). In at least one individual the data is consistent with being in trans (on the opposite chromosome) from a pathogenic variant. ClinVar contains an entry for this variant (Variation ID: 878350). Invitae Evidence Modeling of protein sequence and biophysical properties (such as structural, functional, and spatial information, amino acid conservation, physicochemical variation, residue mobility, and thermodynamic stability) has been performed for this missense variant. However, the output from this modeling did not meet the statistical confidence thresholds required to predict the impact of this variant on ACADSB protein function. In summary, the available evidence is currently insufficient to determine the role of this variant in disease. Therefore, it has been classified as a Variant of Uncertain Significance.

Illumina Laboratory Services, Illumina
Classification: Uncertain significance for Deficiency of 2-methylbutyryl-CoA dehydrogenase. Last evaluated: 2018-01-13. Review status: criteria provided, single submitter. Criteria: ICSL Variant Classification Criteria 13 December 2019. Collection method: clinical testing. Allele origin: germline.

NM_001609.4(ACADSB):c.1151A>T (p.Lys384Ile)

Gene: ACADSB (acyl-CoA dehydrogenase short/branched chain; plus strand). Cytogenetic location: 10q26.13.
Variant type: single nucleotide variant.
Coding change: c.1151A>T on transcript NM_001609.4 (MANE Select); coding-DNA position 1151, A replaced by T.
Protein change: p.Lys384Ile; replaces lysine 384 with isoleucine.
Molecular consequence: missense variant.
Genome position (GRCh38, 1-based): chr10:123,053,083, A>T. VCF-style: chr10-123053083-A-T. GRCh37 (hg19) VCF-style: chr10-124812599-A-T.
Other names: c.845A>T, p.Lys282Ile (NM_001330174.3); short protein forms K384I, K282I.
Identifiers: ClinVar variation 878350 (VCV000878350.8), dbSNP rs760585344, ClinGen allele CA5730945.
Genomic context (GRCh38, chr10:123,053,083, plus strand): 5'-TGTGGTTTCAGTGTGTGATTTGCACTTGCTTTTGGTAGATTGCAGGACAAACAACGAGTA[A>T]ATGTATCGAGTGGATGGGGGGAGTAGGCTACACCAAAGATTACCCTGTGGAGAAATACTT-3'
Protein context (NP_001600.1, residues 374-394): ASEIAGQTTS[Lys384Ile]CIEWMGGVGY